The following is an entry in ClinVar:

NM_198253.3(TERT):c.920C>T (p.Pro307Leu)

Gene: TERT (telomerase reverse transcriptase; minus strand). Cytogenetic location: 5p15.33.
Variant type: single nucleotide variant.
Coding change: c.920C>T on transcript NM_198253.3 (MANE Select); coding-DNA position 920, C replaced by T.
Protein change: p.Pro307Leu; replaces proline 307 with leucine.
Molecular consequence: missense variant. On other transcripts: non-coding transcript variant (2).
Genome position (GRCh38, 1-based): chr5:1,293,966, G>A on the plus strand (C>T on the coding strand, the complement: TERT is on the minus strand). VCF-style: chr5-1293966-G-A. GRCh37 (hg19) VCF-style: chr5-1294081-G-A.
Other names: c.920C>T, p.Pro307Leu (NM_001193376.3, NM_003219.1); short protein forms P307L.
Identifiers: ClinVar variation 2120820 (VCV002120820.4), dbSNP rs1751184986, ClinGen allele CA359056146.

ClinVar aggregate classification (germline): Uncertain significance (1 of 4 stars; one submission).

Conditions:
Dyskeratosis congenita, autosomal dominant 2. Identifiers: MedGen C3151443, MONDO:0013521, OMIM 613989.
Idiopathic Pulmonary Fibrosis. Also called: Idiopathic fibrosing alveolitis, chronic form; idiopathic fibrosing alveolitis. Identifiers: Orphanet 2032, MedGen C1800706, MeSH D054990, MONDO:0800504.

gnomAD v4.1: 4 of 1,556,302 alleles (0.00026%); highest among the groups gnomAD compares: Non-Finnish European, 0.00035%; no homozygotes.

Submission:

Labcorp Genetics (formerly Invitae), Labcorp
Classification: Uncertain significance for Dyskeratosis congenita, autosomal dominant 2; Idiopathic Pulmonary Fibrosis. Last evaluated: 2023-06-10. Review status: criteria provided, single submitter. Criteria: Invitae Variant Classification Sherloc (09022015). Collection method: clinical testing. Allele origin: germline.
Comment: In summary, the available evidence is currently insufficient to determine the role of this variant in disease. Therefore, it has been classified as a Variant of Uncertain Significance. Advanced modeling of protein sequence and biophysical properties (such as structural, functional, and spatial information, amino acid conservation, physicochemical variation, residue mobility, and thermodynamic stability) performed at Invitae indicates that this missense variant is not expected to disrupt TERT protein function. ClinVar contains an entry for this variant (Variation ID: 2120820). This variant has not been reported in the literature in individuals affected with TERT-related conditions. This variant is not present in population databases (gnomAD no frequency). This sequence change replaces proline, which is neutral and non-polar, with leucine, which is neutral and non-polar, at codon 307 of the TERT protein (p.Pro307Leu).